The following is an entry in ClinVar:

ClinVar aggregate classification (germline): Uncertain significance. Review status: criteria provided, multiple submitters, no conflicts (2 of 4 stars). 2 submissions from 2 submitters: Uncertain significance (2). Last evaluated 2026-07-20.

Conditions:
FHOD3-related disorder. Also called: FHOD3-related condition.
Cardiovascular phenotype. Identifiers: MedGen CN230736.

Submissions (2):

PreventionGenetics, part of Exact Sciences
Classification: Uncertain significance for FHOD3-related condition. Last evaluated: 2026-07-20. Review status: criteria provided, single submitter. Criteria: ACMG Guidelines, 2015. Collection method: clinical testing. Allele origin: germline.
Comment: The FHOD3 c.1088G>A variant is predicted to result in the amino acid substitution p.Arg363His. To our knowledge, this variant has not been reported in the literature. This variant is reported in 0.0094% of alleles in individuals of European (Non-Finnish) descent in gnomAD. At this time, the clinical significance of this variant is uncertain due to the absence of conclusive functional and genetic evidence.

Molecular Diagnostic Laboratory for Inherited Cardiovascular Disease, Montreal Heart Institute
Classification: Uncertain significance for Cardiovascular phenotype. Last evaluated: 2025-04-09. Review status: criteria provided, single submitter. Criteria: ACMG Guidelines, 2015. Collection method: clinical testing. Allele origin: germline. Affected: yes.
Comment: PM2

NM_001281740.3(FHOD3):c.1088G>A (p.Arg363His)

Gene: FHOD3 (formin homology 2 domain containing 3; plus strand). Cytogenetic location: 18q12.2.
Variant type: single nucleotide variant.
Coding change: c.1088G>A on transcript NM_001281740.3 (MANE Select); coding-DNA position 1088, G replaced by A.
Protein change: p.Arg363His; replaces arginine 363 with histidine.
Molecular consequence: missense variant.
Genome position (GRCh38, 1-based): chr18:36,625,641, G>A. VCF-style: chr18-36625641-G-A. GRCh37 (hg19) VCF-style: chr18-34205604-G-A.
Other names: c.1088G>A (NM_001281740.2); c.1088G>A, p.Arg363His (NM_001281739.3, NM_025135.5); short protein forms R363H.
Identifiers: ClinVar variation 3895414 (VCV003895414.2), dbSNP rs754354392.